The following is an entry in ClinVar:

NM_052989.3(IFT122):c.2878C>T (p.Arg960Cys)

Gene: IFT122 (intraflagellar transport 122; plus strand). Cytogenetic location: 3q22.1.
Variant type: single nucleotide variant.
Coding change: c.2878C>T on transcript NM_052989.3 (MANE Select); coding-DNA position 2878, C replaced by T.
Protein change: p.Arg960Cys; replaces arginine 960 with cysteine.
Molecular consequence: missense variant.
Genome position (GRCh38, 1-based): chr3:129,507,754, C>T. VCF-style: chr3-129507754-C-T. GRCh37 (hg19) VCF-style: chr3-129226597-C-T.
Other names: c.2857C>T, p.Arg953Cys (NM_001280541.2); c.2428C>T, p.Arg810Cys (NM_001280545.2); c.2251C>T, p.Arg751Cys (NM_001280546.2); c.2701C>T, p.Arg901Cys (NM_018262.4); c.3031C>T, p.Arg1011Cys (NM_052985.4); c.2548C>T, p.Arg850Cys (NM_052990.3); short protein forms R1011C, R751C, R960C, R810C, R901C, R953C, R850C.
Identifiers: ClinVar variation 1478125 (VCV001478125.7), dbSNP rs765190529, ClinGen allele CA2606679.
Genomic context (GRCh38, chr3:129,507,754, plus strand): 5'-GGCAAGTTCTACCACTTCCAGCGTTTGGCAGAGCTGTACCATGGTTACCATGCCATCCAT[C>T]GCCACACGGTAAGGTGGCTGGGTCACCAGCACCTGAGGGTACCATCTCCTGAGCTAGGGG-3'
Protein context (NP_443715.1, residues 950-970): ELYHGYHAIH[Arg960Cys]HTEDPFSVHR

ClinVar aggregate classification (germline): Uncertain significance (1 of 4 stars; one submission).

Conditions:
Cranioectodermal dysplasia 1 (CED1). Also called: LEVIN SYNDROME I. Identifiers: Orphanet 1515, MedGen C0432235, MONDO:0021093, OMIM 218330.

Allele frequency attached by ClinVar (database versions not stated): ExAC 0.00001; gnomAD 0.00001; gnomAD exomes 0.00001; TOPMed 0.00001.
gnomAD v4.1: 11 of 1,613,508 alleles (0.00068%); highest among the groups gnomAD compares: East Asian, 0.0045%; no homozygotes.

Submission:

Labcorp Genetics (formerly Invitae), Labcorp
Classification: Uncertain significance for Cranioectodermal dysplasia 1. Last evaluated: 2022-07-12. Review status: criteria provided, single submitter. Criteria: Invitae Variant Classification Sherloc (09022015). Collection method: clinical testing. Allele origin: germline.
Comment: In summary, the available evidence is currently insufficient to determine the role of this variant in disease. Therefore, it has been classified as a Variant of Uncertain Significance. Algorithms developed to predict the effect of sequence changes on RNA splicing suggest that this variant may disrupt the consensus splice site. Algorithms developed to predict the effect of missense changes on protein structure and function are either unavailable or do not agree on the potential impact of this missense change (SIFT: "Tolerated"; PolyPhen-2: "Probably Damaging"; Align-GVGD: "Class C0"). ClinVar contains an entry for this variant (Variation ID: 1478125). This variant has not been reported in the literature in individuals affected with IFT122-related conditions. This variant is present in population databases (rs765190529, gnomAD 0.006%). This sequence change replaces arginine, which is basic and polar, with cysteine, which is neutral and slightly polar, at codon 1011 of the IFT122 protein (p.Arg1011Cys).